The following is an entry in ClinVar:

NM_000350.3(ABCA4):c.4192G>A (p.Gly1398Ser)

Gene: ABCA4 (ATP binding cassette subfamily A member 4; minus strand). Cytogenetic location: 1p22.1.
Variant type: single nucleotide variant.
Coding change: c.4192G>A on transcript NM_000350.3 (MANE Select); coding-DNA position 4192, G replaced by A.
Protein change: p.Gly1398Ser; replaces glycine 1398 with serine.
Molecular consequence: missense variant.
Genome position (GRCh38, 1-based): chr1:94,031,057, C>T on the plus strand (G>A on the coding strand, the complement: ABCA4 is on the minus strand). VCF-style: chr1-94031057-C-T. GRCh37 (hg19) VCF-style: chr1-94496613-C-T.
Other names: c.3970G>A, p.Gly1324Ser (NM_001425324.1); c.4192G>A (NM_000350.2); short protein forms G1398S, G1324S.
Identifiers: ClinVar variation 2628047 (VCV002628047.3), dbSNP rs2523729282, ClinGen allele CA341286259.

ClinVar aggregate classification (germline): Likely pathogenic. Review status: criteria provided, multiple submitters, no conflicts (2 of 4 stars). 2 submissions from 2 submitters: Likely pathogenic (2). Last evaluated 2022-01-01.

Conditions:
Severe early-childhood-onset retinal dystrophy (STGD1). Also called: Stargardt macular dystrophy; Juvenile onset macular degeneration; Stargardt disease 1; MACULAR DYSTROPHY WITH FLECKS, TYPE 1; STGD. Identifiers: Orphanet 364055, Orphanet 827, MedGen C1855465, MeSH D000080362, MONDO:0009549, OMIM 248200.

Submissions (2):

DBGen Ocular Genomics
Classification: Likely pathogenic for Severe early-childhood-onset retinal dystrophy. Last evaluated: 2022-01-01. Review status: criteria provided, single submitter. Criteria: ACMG Guidelines, 2015. Collection method: clinical testing. Allele origin: unknown. Inheritance: Autosomal recessive inheritance. Affected: yes.
Comment: Class 4 ACMG Guidelines, 2015

Clinical Genetics Service, Universitary Hospital 12 de Octubre
Classification: Likely pathogenic for Severe early-childhood-onset retinal dystrophy. Review status: criteria provided, single submitter. Criteria: ACMG Guidelines, 2015. Collection method: clinical testing. Allele origin: germline. Affected: yes.